The following is an entry in ClinVar:

ClinVar aggregate classification (germline): Uncertain significance. Review status: criteria provided, multiple submitters, no conflicts (2 of 4 stars). 10 submissions from 10 submitters: Uncertain significance (8). 2 of the submissions do not count toward it. Last evaluated 2026-03-02.

Conditions:
Congenital bilateral aplasia of vas deferens from CFTR mutation (CBAVD). Identifiers: Orphanet 48, MedGen C0403814, MONDO:0010178, OMIM 277180. Disease mechanism: loss of function.
Bronchiectasis with or without elevated sweat chloride 1 (BESC1). Also called: Cystic Fibrosis-Like Syndrome. Identifiers: Orphanet 60033, MedGen C2749757, MONDO:0008887, OMIM 211400.
Cystic fibrosis (CF). Also called: MUCOVISCIDOSIS. Identifiers: Orphanet 586, MedGen C0010674, MONDO:0009061, OMIM 219700. Disease mechanism: loss of function.
Hereditary pancreatitis (PCTT). Also called: PRSS1-Related Hereditary Pancreatitis; Hereditary chronic pancreatitis. Identifiers: Orphanet 676, MedGen C0238339, MONDO:0008185, OMIM 167800.
CFTR-related disorder (CFTR-RD). Also called: CFTR-related condition; CFTR-related disorders. Identifiers: MedGen C5924204, MONDO:7770004.

Allele frequency attached by ClinVar (database versions not stated): ExAC 0.00002; gnomAD 0.00003; TOPMed 0.00003.
gnomAD v4.1: 22 of 1,443,630 alleles (0.0015%); highest among the groups gnomAD compares: Non-Finnish European, 0.0019%; no homozygotes.

Submissions (10):

PreventionGenetics, part of Exact Sciences
Classification: Uncertain significance for CFTR-related condition. Last evaluated: 2026-03-02. Review status: criteria provided, single submitter. Criteria: ACMG Guidelines, 2015. Collection method: clinical testing. Allele origin: germline.
Comment: The CFTR c.3877G>A variant is predicted to result in the amino acid substitution p.Val1293Ile. This variant has been reported in the heterozygous state, in the absence of a second pathogenic variant, in a patient with cystic fibrosis (El-Seedy et al. 2016. PubMed ID: 28040058). This variant is reported in 0.0036% of alleles in individuals of European (Non-Finnish) descent in gnomAD. At this time, the clinical significance of this variant is uncertain due to the absence of conclusive functional and genetic evidence.

Women's Health and Genetics/Laboratory Corporation of America, LabCorp
Classification: Uncertain significance. Last evaluated: 2025-10-27. Review status: criteria provided, single submitter. Criteria: LabCorp Variant Classification Summary - May 2015. Collection method: clinical testing. Allele origin: germline.
Comment: Variant summary: CFTR c.3877G>A (p.Val1293Ile) results in a conservative amino acid change located in the ABC transporter-like, ATP-binding domain (IPR003439) of the encoded protein sequence. Algorithms developed to predict the effect of missense changes on protein structure and function are either unavailable or do not agree on the potential impact of this missense change. The variant allele was found at a frequency of 2.8e-05 in 250000 control chromosomes. The available data on variant occurrences in the general population are insufficient to allow any conclusion about variant significance. c.3877G>A has been reported in the literature in at least one individual affected with Cystic Fibrosis (e.g., El-Seedy_2016), however without strong evidence for causality. This report therefore does not provide unequivocal conclusions about association of the variant with Cystic Fibrosis. At least one publication reports experimental evidence evaluating an impact on protein function (e.g., Bihler_2023, no PMID). These results showed no damaging effect of this variant. The following publications have been ascertained in the context of this evaluation (PMID: 28040058, 11379874, 20974851, 15536480, 16251901, 17244607). ClinVar contains an entry for this variant (Variation ID: 552594). Based on the evidence outlined above, the variant was classified as uncertain significance.

Labcorp Genetics (formerly Invitae), Labcorp
Classification: Uncertain significance for Cystic fibrosis. Last evaluated: 2025-04-03. Review status: criteria provided, single submitter. Criteria: Invitae Variant Classification Sherloc (09022015). Collection method: clinical testing. Allele origin: germline.
Comment: This sequence change replaces valine, which is neutral and non-polar, with isoleucine, which is neutral and non-polar, at codon 1293 of the CFTR protein (p.Val1293Ile). This variant is present in population databases (rs769931559, gnomAD 0.004%). This missense change has been observed in individual(s) with cystic fibrosis (PMID: 12815607, 28040058). ClinVar contains an entry for this variant (Variation ID: 552594). Invitae Evidence Modeling of protein sequence and biophysical properties (such as structural, functional, and spatial information, amino acid conservation, physicochemical variation, residue mobility, and thermodynamic stability) indicates that this missense variant is not expected to disrupt CFTR protein function with a negative predictive value of 80%. In summary, the available evidence is currently insufficient to determine the role of this variant in disease. Therefore, it has been classified as a Variant of Uncertain Significance.

Ambry Genetics
Classification: Uncertain significance for Cystic fibrosis. Last evaluated: 2024-07-08. Review status: criteria provided, single submitter. Criteria: Ambry Variant Classification Scheme 2023. Collection method: clinical testing. Allele origin: germline.
Comment: The p.V1293I variant (also known as c.3877G>A), located in coding exon 24 of the CFTR gene, results from a G to A substitution at nucleotide position 3877. The valine at codon 1293 is replaced by isoleucine, an amino acid with highly similar properties. This variant was identified in a cystic fibrosis cohort with no second CFTR varaint and in a control sample (El-Seedy A et al. Cell. Mol. Biol. (Noisy-le-grand), 2016 Nov;62:21-28; Le Mar&eacute;chal C et al. Hum. Genet., 2001 Apr;108:290-8). This amino acid position is highly conserved in available vertebrate species. In addition, this alteration is predicted to be deleterious by in silico analysis. Based on the available evidence, the clinical significance of this variant remains unclear.

CeGaT Center for Human Genetics Tuebingen
Classification: Uncertain significance. Last evaluated: 2023-12-01. Review status: criteria provided, single submitter. Criteria: CeGaT Center For Human Genetics Tuebingen Variant Classification Criteria Version 2. Collection method: clinical testing. Allele origin: germline. Affected: yes. Observed: 1 variant allele.
Comment: CFTR: PM2, PM5:Supporting

Quest Diagnostics Nichols Institute San Juan Capistrano
Classification: Uncertain significance. Last evaluated: 2023-06-23. Review status: criteria provided, single submitter. Criteria: Quest Diagnostics criteria. Collection method: clinical testing. Allele origin: unknown.
Comment: The CFTR c.3877G>A (p.Val1293Ile) variant has been reported in the published literature in an individual with cystic fibrosis (PMID: 28040058 (2016)) and in healthy unaffected individuals (PMID: 16251901 (2006), 11379874 (2001)). The frequency of this variant in the general population, 0.000036 (4/111742 chromosomes (Genome Aggregation Database)), is uninformative in the assessment of its pathogenicity. Analysis of this variant using bioinformatics tools for the prediction of the effect of amino acid changes on protein structure and function yielded conflicting predictions that this variant is deleterious or benign. Based on the available information, we are unable to determine the clinical significance of this variant.

Genome-Nilou Lab
Classification: Uncertain significance for Cystic fibrosis. Last evaluated: 2021-09-05. Review status: criteria provided, single submitter. Criteria: ACMG Guidelines, 2015. Collection method: clinical testing. Allele origin: germline. Affected: no.

Fulgent Genetics
Classification: Uncertain significance for Hereditary pancreatitis; Bronchiectasis with or without elevated sweat chloride 1; Cystic fibrosis; Congenital bilateral aplasia of vas deferens from CFTR mutation. Last evaluated: 2021-07-08. Review status: criteria provided, single submitter. Criteria: ACMG Guidelines, 2015. Collection method: clinical testing. Allele origin: unknown.

Natera, Inc.
Classification: Uncertain significance for CFTR-related disorders. Last evaluated: 2018-05-24. Review status: no assertion criteria provided. Collection method: clinical testing. Allele origin: germline. Not counted in ClinVar's aggregate classification.

Counsyl
Classification: Uncertain significance for Cystic fibrosis. Last evaluated: 2017-06-27. Review status: no assertion criteria provided. Collection method: clinical testing. Allele origin: unknown. Not counted in ClinVar's aggregate classification.

Literature cited by the submitters: PubMed 11379874 (cited by 3 submitters); PubMed 15536480 (cited by Women's Health and Genetics/Laboratory Corporation of America, LabCorp); PubMed 16251901 (cited by Women's Health and Genetics/Laboratory Corporation of America, LabCorp and Quest Diagnostics Nichols Institute San Juan Capistrano); PubMed 17244607 (cited by Women's Health and Genetics/Laboratory Corporation of America, LabCorp); PubMed 20974851 (cited by Women's Health and Genetics/Laboratory Corporation of America, LabCorp); PubMed 28040058 (cited by 4 submitters); PubMed 12815607 (cited by Labcorp Genetics (formerly Invitae), Labcorp and Quest Diagnostics Nichols Institute San Juan Capistrano).

NM_000492.4(CFTR):c.3877G>A (p.Val1293Ile)

Gene: CFTR (CF transmembrane conductance regulator; plus strand). Cytogenetic location: 7q31.2.
Variant type: single nucleotide variant.
Coding change: c.3877G>A on transcript NM_000492.4 (MANE Select); coding-DNA position 3877, G replaced by A.
Protein change: p.Val1293Ile; replaces valine 1293 with isoleucine.
Molecular consequence: missense variant.
Genome position (GRCh38, 1-based): chr7:117,652,845, G>A. VCF-style: chr7-117652845-G-A. GRCh37 (hg19) VCF-style: chr7-117292899-G-A.
Other names: short protein forms V1293I.
Identifiers: ClinVar variation 552594 (VCV000552594.41), dbSNP rs769931559, ClinGen allele CA4451578.